The following is an entry in ClinVar:

ClinVar aggregate classification (germline): Uncertain significance. Review status: criteria provided, multiple submitters, no conflicts (2 of 4 stars). 2 submissions from 2 submitters: Uncertain significance (2). Last evaluated 2025-11-17.

Allele frequency attached by ClinVar (database versions not stated): gnomAD 0.00003; TOPMed 0.00004; gnomAD exomes 0.00001.
gnomAD v4.1: 125 of 1,543,100 alleles (0.0081%); highest among the groups gnomAD compares: Non-Finnish European, 0.0095%; 2 homozygotes.

Submissions (2):

Labcorp Genetics (formerly Invitae), Labcorp
Classification: Uncertain significance. Last evaluated: 2025-11-17. Review status: criteria provided, single submitter. Criteria: Invitae Variant Classification Sherloc (09022015). Collection method: clinical testing. Allele origin: germline.
Comment: This sequence change replaces valine, which is neutral and non-polar, with leucine, which is neutral and non-polar, at codon 122 of the DTHD1 protein (p.Val122Leu). This variant is present in population databases (no rsID available, gnomAD 0.003%). This variant has not been reported in the literature in individuals affected with DTHD1-related conditions. ClinVar contains an entry for this variant (Variation ID: 956337). An algorithm developed to predict the effect of missense changes on protein structure and function (PolyPhen-2) suggests that this variant is likely to be disruptive. In summary, the available evidence is currently insufficient to determine the role of this variant in disease. Therefore, it has been classified as a Variant of Uncertain Significance.

Ambry Genetics
Classification: Uncertain significance. Last evaluated: 2024-08-20. Review status: criteria provided, single submitter. Criteria: Ambry Variant Classification Scheme 2023. Collection method: clinical testing. Allele origin: germline.

NM_001170700.3(DTHD1):c.1234G>C (p.Val412Leu)

Gene: DTHD1 (death domain containing 1; plus strand). Cytogenetic location: 4p14.
Variant type: single nucleotide variant.
Coding change: c.1234G>C on transcript NM_001170700.3 (MANE Select); coding-DNA position 1234, G replaced by C.
Protein change: p.Val412Leu; replaces valine 412 with leucine.
Molecular consequence: missense variant. On other transcripts: non-coding transcript variant (1), intron variant (1).
Genome position (GRCh38, 1-based): chr4:36,293,541, G>C. VCF-style: chr4-36293541-G-C. GRCh37 (hg19) VCF-style: chr4-36295163-G-C.
Other names: c.364G>C, p.Val122Leu (NM_001136536.5); c.349-48G>C (NM_001378435.1); c.859G>C (NM_001170700.1); short protein forms V122L, V412L.
Identifiers: ClinVar variation 956337 (VCV000956337.10), dbSNP rs898541301, ClinGen allele CA95770526.